The following is an entry in ClinVar:

NM_004360.5(CDH1):c.747G>C (p.Leu249Phe)

Gene: CDH1 (cadherin 1; plus strand). Cytogenetic location: 16q22.1.
Variant type: single nucleotide variant.
Coding change: c.747G>C on transcript NM_004360.5 (MANE Select); coding-DNA position 747, G replaced by C.
Protein change: p.Leu249Phe; replaces leucine 249 with phenylalanine.
Molecular consequence: missense variant. On other transcripts: 5 prime UTR variant (2).
Genome position (GRCh38, 1-based): chr16:68,810,256, G>C. VCF-style: chr16-68810256-G-C. GRCh37 (hg19) VCF-style: chr16-68844159-G-C.
Other names: c.747G>C, p.Leu249Phe (NM_001317184.2); c.-869G>C (NM_001317185.2); c.-1073G>C (NM_001317186.2); short protein forms L249F.
Identifiers: ClinVar variation 2084770 (VCV002084770.5), dbSNP rs1555515441, ClinGen allele CA396458568.
Genomic context (GRCh38, chr16:68,810,256, plus strand): 5'-GCTCTTCTCTCACGCTGTGTCATCCAACGGGAATGCAGTTGAGGATCCAATGGAGATTTT[G>C]ATCACGGTAACCGATCAGAATGACAACAAGCCCGAATTCACCCAGGAGGTCTTTAAGGGG-3'
Protein context (NP_004351.1, residues 239-259): GNAVEDPMEI[Leu249Phe]ITVTDQNDNK

ClinVar aggregate classification (germline): Conflicting classifications of pathogenicity. Review status: criteria provided, conflicting classifications (1 of 4 stars). 2 submissions from 2 submitters: Uncertain significance (1); Likely benign (1). Last evaluated 2024-01-11.

Conditions:
Hereditary cancer-predisposing syndrome. Also called: Hereditary Cancer Syndrome; Hereditary neoplastic syndrome; Neoplastic Syndromes, Hereditary; Tumor predisposition. Identifiers: Orphanet 140162, MedGen C0027672, MeSH D009386, MONDO:0015356.
Hereditary diffuse gastric adenocarcinoma (HDGC). Also called: DIFFUSE GASTRIC AND LOBULAR BREAST CANCER SYNDROME. Identifiers: Orphanet 26106, MedGen C1708349, MONDO:0007648, OMIM 137215.

Submissions (2):

Ambry Genetics
Classification: Likely benign for Hereditary cancer-predisposing syndrome. Last evaluated: 2024-01-11. Review status: criteria provided, single submitter. Criteria: Ambry Variant Classification Scheme 2023. Collection method: clinical testing. Allele origin: germline.

Labcorp Genetics (formerly Invitae), Labcorp
Classification: Uncertain significance for Hereditary diffuse gastric adenocarcinoma. Last evaluated: 2023-08-09. Review status: criteria provided, single submitter. Criteria: Invitae Variant Classification Sherloc (09022015). Collection method: clinical testing. Allele origin: germline.
Comment: An algorithm developed to predict the effect of missense changes on protein structure and function (PolyPhen-2) suggests that this variant is likely to be tolerated. In summary, the available evidence is currently insufficient to determine the role of this variant in disease. Therefore, it has been classified as a Variant of Uncertain Significance. ClinVar contains an entry for this variant (Variation ID: 2084770). This sequence change replaces leucine, which is neutral and non-polar, with phenylalanine, which is neutral and non-polar, at codon 249 of the CDH1 protein (p.Leu249Phe). This variant is not present in population databases (gnomAD no frequency). This variant has not been reported in the literature in individuals affected with CDH1-related conditions.